The following is an entry in ClinVar:

ClinVar aggregate classification (germline): Uncertain significance (1 of 4 stars; one submission).

Conditions:
Inborn genetic diseases. Identifiers: MedGen C0950123, MeSH D030342.

Submission:

Ambry Genetics
Classification: Uncertain significance for Inborn genetic diseases. Last evaluated: 2024-07-30. Review status: criteria provided, single submitter. Criteria: Ambry Variant Classification Scheme 2023. Collection method: clinical testing. Allele origin: germline.
Comment: The p.C2389R variant (also known as c.7165T>C), located in coding exon 48 of the LRRK2 gene, results from a T to C substitution at nucleotide position 7165. The cysteine at codon 2389 is replaced by arginine, an amino acid with highly dissimilar properties. This amino acid position is conserved. In addition, this alteration is predicted to be deleterious by in silico analysis. Based on the available evidence, the clinical significance of this variant remains unclear.

NM_198578.4(LRRK2):c.7165T>C (p.Cys2389Arg)

Gene: LRRK2 (leucine rich repeat kinase 2; plus strand). Cytogenetic location: 12q12.
Variant type: single nucleotide variant.
Coding change: c.7165T>C on transcript NM_198578.4 (MANE Select); coding-DNA position 7165, T replaced by C.
Protein change: p.Cys2389Arg; replaces cysteine 2389 with arginine.
Molecular consequence: missense variant.
Genome position (GRCh38, 1-based): chr12:40,363,538, T>C. VCF-style: chr12-40363538-T-C. GRCh37 (hg19) VCF-style: chr12-40757340-T-C.
Other names: short protein forms C2389R.
Identifiers: ClinVar variation 3540596 (VCV003540596.1).